The following is an entry in ClinVar:

NM_058216.3(RAD51C):c.920A>G (p.His307Arg)

Gene: RAD51C (RAD51 paralog C; plus strand). Cytogenetic location: 17q22.
Variant type: single nucleotide variant.
Coding change: c.920A>G on transcript NM_058216.3 (MANE Select); coding-DNA position 920, A replaced by G.
Protein change: p.His307Arg; replaces histidine 307 with arginine.
Molecular consequence: missense variant. On other transcripts: non-coding transcript variant (1).
Genome position (GRCh38, 1-based): chr17:58,724,055, A>G. VCF-style: chr17-58724055-A-G. GRCh37 (hg19) VCF-style: chr17-56801416-A-G.
Other names: short protein forms H307R.
Identifiers: ClinVar variation 918247 (VCV000918247.10), dbSNP rs2049021589, ClinGen allele CA400361341.

ClinVar aggregate classification (germline): Uncertain significance. Review status: criteria provided, multiple submitters, no conflicts (2 of 4 stars). 4 submissions from 4 submitters: Uncertain significance (4). Last evaluated 2025-09-12.

Conditions:
Hereditary cancer-predisposing syndrome. Also called: Hereditary Cancer Syndrome; Hereditary neoplastic syndrome; Neoplastic Syndromes, Hereditary; Tumor predisposition. Identifiers: Orphanet 140162, MedGen C0027672, MeSH D009386, MONDO:0015356.
Breast-ovarian cancer, familial, susceptibility to, 3. Also called: RAD51C-Related Breast/Ovarian Cancer. Identifiers: Orphanet 145, MedGen C3150659, MONDO:0013253, OMIM 613399.
Fanconi anemia complementation group O. Also called: RAD51C-Related Fanconi Anemia. Identifiers: Orphanet 84, MedGen C3150653, MONDO:0013248, OMIM 613390.

Submissions (4):

Labcorp Genetics (formerly Invitae), Labcorp
Classification: Uncertain significance for Fanconi anemia complementation group O. Last evaluated: 2025-09-12. Review status: criteria provided, single submitter. Criteria: Invitae Variant Classification Sherloc (09022015). Collection method: clinical testing. Allele origin: germline.
Comment: This sequence change replaces histidine, which is basic and polar, with arginine, which is basic and polar, at codon 307 of the RAD51C protein (p.His307Arg). This variant is not present in population databases (gnomAD no frequency). This variant has not been reported in the literature in individuals affected with RAD51C-related conditions. ClinVar contains an entry for this variant (Variation ID: 918247). Invitae Evidence Modeling of protein sequence and biophysical properties (such as structural, functional, and spatial information, amino acid conservation, physicochemical variation, residue mobility, and thermodynamic stability) indicates that this missense variant is expected to disrupt RAD51C protein function with a positive predictive value of 80%. In summary, the available evidence is currently insufficient to determine the role of this variant in disease. Therefore, it has been classified as a Variant of Uncertain Significance.

Color Diagnostics, LLC DBA Color Health
Classification: Uncertain significance for Hereditary cancer-predisposing syndrome. Last evaluated: 2023-12-04. Review status: criteria provided, single submitter. Criteria: ACMG Guidelines, 2015. Collection method: clinical testing. Allele origin: germline.
Comment: This missense variant replaces histidine with arginine at codon 307 of the RAD51C protein. Computational prediction is inconclusive regarding the impact of this variant on protein structure and function (internally defined REVEL score threshold 0.5 < inconclusive < 0.7, PMID: 27666373). To our knowledge, functional studies have not been reported for this variant. This variant has not been reported in individuals affected with RAD51C-related disorders in the literature. This variant has not been identified in the general population by the Genome Aggregation Database (gnomAD). The available evidence is insufficient to determine the role of this variant in disease conclusively. Therefore, this variant is classified as a Variant of Uncertain Significance.

Baylor Genetics
Classification: Uncertain significance for Breast-ovarian cancer, familial, susceptibility to, 3. Last evaluated: 2023-08-13. Review status: criteria provided, single submitter. Criteria: ACMG Guidelines, 2015. Collection method: clinical testing. Allele origin: unknown.

Ambry Genetics
Classification: Uncertain significance for Hereditary cancer-predisposing syndrome. Last evaluated: 2021-06-10. Review status: criteria provided, single submitter. Criteria: Ambry Variant Classification Scheme 2023. Collection method: clinical testing. Allele origin: germline.
Comment: The p.H307R variant (also known as c.920A>G), located in coding exon 7 of the RAD51C gene, results from an A to G substitution at nucleotide position 920. The histidine at codon 307 is replaced by arginine, an amino acid with highly similar properties. This amino acid position is highly conserved in available vertebrate species. In addition, this alteration is predicted to be deleterious by in silico analysis. Since supporting evidence is limited at this time, the clinical significance of this alteration remains unclear.